The following is an entry in ClinVar:

NM_006231.4(POLE):c.2385G>C (p.Lys795Asn)

Gene: POLE (DNA polymerase epsilon, catalytic subunit; minus strand). Cytogenetic location: 12q24.33.
Variant type: single nucleotide variant.
Coding change: c.2385G>C on transcript NM_006231.4 (MANE Select); coding-DNA position 2385, G replaced by C.
Protein change: p.Lys795Asn; replaces lysine 795 with asparagine.
Molecular consequence: missense variant.
Genome position (GRCh38, 1-based): chr12:132,665,385, C>G on the plus strand (G>C on the coding strand, the complement: POLE is on the minus strand). VCF-style: chr12-132665385-C-G. GRCh37 (hg19) VCF-style: chr12-133241971-C-G.
Other names: c.2385G>C (NM_006231.2); short protein forms K795N.
Identifiers: ClinVar variation 1385177 (VCV001385177.7), dbSNP rs761666105, ClinGen allele CA387397472.

ClinVar aggregate classification (germline): Conflicting classifications of pathogenicity. Review status: criteria provided, conflicting classifications (1 of 4 stars). 2 submissions from 2 submitters: Uncertain significance (1); Likely benign (1). Last evaluated 2026-02-13.

Conditions:
Hereditary cancer-predisposing syndrome. Also called: Hereditary neoplastic syndrome; Tumor predisposition; Neoplastic Syndromes, Hereditary; Hereditary Cancer Syndrome. Identifiers: Orphanet 140162, MedGen C0027672, MeSH D009386, MONDO:0015356.

Submissions (2):

Ambry Genetics
Classification: Likely benign for Hereditary cancer-predisposing syndrome. Last evaluated: 2026-02-13. Review status: criteria provided, single submitter. Criteria: Ambry Variant Classification Scheme 2023. Collection method: clinical testing. Allele origin: germline.

Labcorp Genetics (formerly Invitae), Labcorp
Classification: Uncertain significance. Last evaluated: 2021-10-07. Review status: criteria provided, single submitter. Criteria: Invitae Variant Classification Sherloc (09022015). Collection method: clinical testing. Allele origin: germline.
Comment: In summary, the available evidence is currently insufficient to determine the role of this variant in disease. Therefore, it has been classified as a Variant of Uncertain Significance. Algorithms developed to predict the effect of missense changes on protein structure and function are either unavailable or do not agree on the potential impact of this missense change (SIFT: "Deleterious"; PolyPhen-2: "Benign"; Align-GVGD: "Class C65"). This variant has not been reported in the literature in individuals affected with POLE-related conditions. This variant is not present in population databases (ExAC no frequency). This sequence change replaces lysine with asparagine at codon 795 of the POLE protein (p.Lys795Asn). The lysine residue is highly conserved and there is a moderate physicochemical difference between lysine and asparagine.